The following is an entry in ClinVar:

NM_005591.4(MRE11):c.1029G>C (p.Met343Ile)

Gene: MRE11 (MRE11 double strand break repair nuclease; minus strand). Cytogenetic location: 11q21.
Variant type: single nucleotide variant.
Coding change: c.1029G>C on transcript NM_005591.4 (MANE Select); coding-DNA position 1029, G replaced by C.
Protein change: p.Met343Ile; replaces methionine 343 with isoleucine.
Molecular consequence: missense variant.
Genome position (GRCh38, 1-based): chr11:94,467,882, C>G on the plus strand (G>C on the coding strand, the complement: MRE11 is on the minus strand). VCF-style: chr11-94467882-C-G. GRCh37 (hg19) VCF-style: chr11-94201048-C-G.
Other names: c.1029G>C, p.Met343Ile (NM_001330347.2, NM_005590.4); short protein forms M343I.
Identifiers: ClinVar variation 822042 (VCV000822042.4), dbSNP rs1591688459, ClinGen allele CA382373895.

ClinVar aggregate classification (germline): Uncertain significance (1 of 4 stars; one submission).

Conditions:
Hereditary cancer-predisposing syndrome. Also called: Tumor predisposition; Hereditary Cancer Syndrome; Neoplastic Syndromes, Hereditary; Hereditary neoplastic syndrome. Identifiers: Orphanet 140162, MedGen C0027672, MeSH D009386, MONDO:0015356.

Submission:

Ambry Genetics
Classification: Uncertain significance for Hereditary cancer-predisposing syndrome. Last evaluated: 2022-09-17. Review status: criteria provided, single submitter. Criteria: Ambry Variant Classification Scheme 2023. Collection method: clinical testing. Allele origin: germline.
Comment: The p.M343I variant (also known as c.1029G>C), located in coding exon 9 of the MRE11A gene, results from a G to C substitution at nucleotide position 1029. The methionine at codon 343 is replaced by isoleucine, an amino acid with highly similar properties. This amino acid position is highly conserved in available vertebrate species. In addition, the in silico prediction for this alteration is inconclusive. Since supporting evidence is limited at this time, the clinical significance of this alteration remains unclear.